The following is an entry in ClinVar:

NM_002180.3(IGHMBP2):c.1784G>A (p.Arg595Gln)

Gene: IGHMBP2 (immunoglobulin mu DNA binding protein 2; plus strand). Cytogenetic location: 11q13.3.
Variant type: single nucleotide variant.
Coding change: c.1784G>A on transcript NM_002180.3 (MANE Select); coding-DNA position 1784, G replaced by A.
Protein change: p.Arg595Gln; replaces arginine 595 with glutamine.
Molecular consequence: missense variant.
Genome position (GRCh38, 1-based): chr11:68,936,264, G>A. VCF-style: chr11-68936264-G-A. GRCh37 (hg19) VCF-style: chr11-68703732-G-A.
Other names: short protein forms R595Q.
Identifiers: ClinVar variation 570330 (VCV000570330.8), dbSNP rs143766075, ClinGen allele CA6153778.
Genomic context (GRCh38, chr11:68,936,264, plus strand): 5'-ACCTGCTTCTCACTCCCCTCTGGCCTTTTGTAGGTGAAGTTGGTTTTCTTGCTGAGGACC[G>A]GAGGATCAACGTGGCTGTCACCCGTGCCCGACGCCACGTGGCGGTCATCTGTGACTCCCG-3'
Protein context (NP_002171.2, residues 585-605): KGEVGFLAED[Arg595Gln]RINVAVTRAR

ClinVar aggregate classification (germline): Uncertain significance. Review status: criteria provided, multiple submitters, no conflicts (2 of 4 stars). 3 submissions from 3 submitters: Uncertain significance (3). Last evaluated 2024-01-04.

Conditions:
Inborn genetic diseases. Identifiers: MedGen C0950123, MeSH D030342.
Autosomal recessive distal spinal muscular atrophy 1. Also called: Spinal muscular atrophy with respiratory distress 1; NEURONOPATHY, SEVERE INFANTILE AXONAL, WITH RESPIRATORY FAILURE; SEVERE INFANTILE AXONAL NEUROPATHY WITH RESPIRATORY FAILURE; SPINAL MUSCULAR ATROPHY, DIAPHRAGMATIC; NEURONOPATHY, DISTAL HEREDITARY MOTOR, HARDING TYPE VI; NEUROPATHY, DISTAL HEREDITARY MOTOR, AUTOSOMAL RECESSIVE 1. Identifiers: Orphanet 98920, MedGen C1858517, MONDO:0011436, OMIM 604320.
Charcot-Marie-Tooth disease axonal type 2S. Also called: CHARCOT-MARIE-TOOTH NEUROPATHY, TYPE 2S; CHARCOT-MARIE-TOOTH DISEASE, AXONAL, AUTOSOMAL RECESSIVE, TYPE 2S. Identifiers: Orphanet 443073, MedGen C4015349, MONDO:0014511, OMIM 616155.

Allele frequency attached by ClinVar (database versions not stated): ExAC 0.00005; gnomAD exomes 0.00005; gnomAD 0.00011 and 0.00012; TOPMed 0.00011; ESP Exome Variant Server 0.00015.
gnomAD v4.1: 99 of 1,614,058 alleles (0.0061%); highest among the groups gnomAD compares: African/African-American, 0.024%; no homozygotes.

Submissions (3):

Ambry Genetics
Classification: Uncertain significance for Inborn genetic diseases. Last evaluated: 2024-01-04. Review status: criteria provided, single submitter. Criteria: Ambry Variant Classification Scheme 2023. Collection method: clinical testing. Allele origin: germline.

Labcorp Genetics (formerly Invitae), Labcorp
Classification: Uncertain significance for Autosomal recessive distal spinal muscular atrophy 1; Charcot-Marie-Tooth disease axonal type 2S. Last evaluated: 2021-07-13. Review status: criteria provided, single submitter. Criteria: Invitae Variant Classification Sherloc (09022015). Collection method: clinical testing. Allele origin: germline.
Comment: This sequence change replaces arginine with glutamine at codon 595 of the IGHMBP2 protein (p.Arg595Gln). The arginine residue is highly conserved and there is a small physicochemical difference between arginine and glutamine. This variant is present in population databases (rs143766075, ExAC 0.01%). This variant has not been reported in the literature in individuals affected with IGHMBP2-related conditions. Algorithms developed to predict the effect of missense changes on protein structure and function are either unavailable or do not agree on the potential impact of this missense change (SIFT: "Deleterious"; PolyPhen-2: "Probably Damaging"; Align-GVGD: "Class C0"). In summary, the available evidence is currently insufficient to determine the role of this variant in disease. Therefore, it has been classified as a Variant of Uncertain Significance.

Breakthrough Genomics
Classification: Uncertain significance. Review status: criteria provided, single submitter. Criteria: ACMG Guidelines, 2015. Collection method: not provided. Allele origin: germline. Inheritance: Autosomal recessive inheritance. Affected: yes.